The following is an entry in ClinVar:

NM_018075.5(ANO10):c.1485del (p.Phe495fs)

Gene: ANO10 (anoctamin 10; minus strand). Cytogenetic location: 3p22.1.
Variant type: Deletion.
Coding change: c.1485del on transcript NM_018075.5 (MANE Select); coding-DNA position 1485, one base deleted (T; older notation c.1485delT).
Protein change: p.Phe495fs; shifts the reading frame from phenylalanine 495.
Molecular consequence: frameshift variant.
Genome position (GRCh38, 1-based): chr3:43,555,461, A deleted on the plus strand (T on the coding strand, the reverse complement: ANO10 is on the minus strand); the first of 3 consecutive A bases (chr3:43,555,461-43,555,463); deleting any one gives the same sequence. VCF-style (leftmost placement, unchanged base first): chr3-43555460-CA-C. GRCh37 (hg19) VCF-style: chr3-43596952-CA-C.
Other names: c.1485del, p.Phe495fs (NM_001204831.3, NM_001346463.2, NM_001346464.2 and 3 more transcripts); c.1287del, p.Phe429fs (NM_001204832.3, NM_001346466.2, NM_001346469.2); c.1152del, p.Phe384fs (NM_001204833.3); c.915del, p.Phe305fs (NM_001204834.3); short protein forms F305fs, F384fs, F429fs, F495fs.
Identifiers: ClinVar variation 5015519 (VCV005015519.1).

ClinVar aggregate classification (germline): Pathogenic (1 of 4 stars; one submission).

Conditions:
Autosomal recessive spinocerebellar ataxia 10. Identifiers: Orphanet 284289, MedGen C3150998, MONDO:0013392, OMIM 613728.

Submission:

Myriad Genetics, Inc.
Classification: Pathogenic for Autosomal recessive spinocerebellar ataxia 10. Last evaluated: 2026-02-06. Review status: criteria provided, single submitter. Criteria: Myriad Autosomal Dominant, Autosomal Recessive and X-Linked Classification Criteria (2023). Collection method: clinical testing. Allele origin: unknown.
Comment: NM_018075.3(ANO10):c.1485delT(F495Lfs*14) is expected to be pathogenic in the context of spinocerebellar ataxia, ANO10-related. This variant is predicted to lead to an abnormal or absent protein product due to the creation of a premature termination codon in ANO10, a gene where loss-of-function variants are known to be pathogenic. Please note: this variant was assessed in the context of healthy population screening.